The following is an entry in ClinVar:

NM_000455.5(STK11):c.924G>T (p.Trp308Cys)

Gene: STK11 (serine/threonine kinase 11; plus strand). Cytogenetic location: 19p13.3.
Variant type: single nucleotide variant.
Coding change: c.924G>T on transcript NM_000455.5 (MANE Select); coding-DNA position 924, G replaced by T.
Protein change: p.Trp308Cys; replaces tryptophan 308 with cysteine.
Molecular consequence: missense variant. On other transcripts: non-coding transcript variant (1).
Genome position (GRCh38, 1-based): chr19:1,222,988, G>T. VCF-style: chr19-1222988-G-T. GRCh37 (hg19) VCF-style: chr19-1222987-G-T.
Other names: c.924G>T, p.Trp308Cys (NM_001407255.1); short protein forms W308C.
Identifiers: ClinVar variation 2736757 (VCV002736757.4), dbSNP rs1057520042, ClinGen allele CA402951424.
Genomic context (GRCh38, chr19:1,222,988, plus strand): 5'-AAACTGGACCGCCCTGGTGCCAGCCTGACAGGCGCCACTGCTTCTGGGCGTTTGCAGCTG[G>T]TTCCGGAAGAAACATCCTCCGGCTGAAGCACCAGTGCCCATCCCACCGAGCCCAGACACC-3'
Protein context (NP_000446.1, residues 298-318): FSIRQIRQHS[Trp308Cys]FRKKHPPAEA

ClinVar aggregate classification (germline): Pathogenic. Review status: criteria provided, multiple submitters, no conflicts (2 of 4 stars). 2 submissions from 2 submitters: Pathogenic (2). Last evaluated 2024-02-12.

Conditions:
Peutz-Jeghers syndrome (PJS). Also called: Peutz-Jeghers polyposis; Periorificial lentiginosis syndrome; POLYPOSIS, HAMARTOMATOUS INTESTINAL; POLYPS-AND-SPOTS SYNDROME. Identifiers: Orphanet 2869, MedGen C0031269, MeSH D010580, MONDO:0008280, OMIM 175200.

Submissions (2):

Myriad Genetics, Inc.
Classification: Pathogenic for Peutz-Jeghers syndrome. Last evaluated: 2024-02-12. Review status: criteria provided, single submitter. Criteria: Myriad Autosomal Dominant, Autosomal Recessive and X-Linked Classification Criteria (2023). Collection method: clinical testing. Allele origin: unknown.
Comment: This variant is considered pathogenic. This variant is expected to disrupt protein structure [Myriad internal data, PMID: 19892943]. Functional studies indicate this variant impacts protein function [PMID: 9837816, 10441497, 15561763]. This variant has been reported in multiple individuals with clinical features of gene-specific disease [PMID: 16707622, 9837816, 15863673, 19727776].

Labcorp Genetics (formerly Invitae), Labcorp
Classification: Pathogenic for Peutz-Jeghers syndrome. Last evaluated: 2023-04-24. Review status: criteria provided, single submitter. Criteria: Invitae Variant Classification Sherloc (09022015). Collection method: clinical testing. Allele origin: germline.
Comment: This sequence change replaces tryptophan, which is neutral and slightly polar, with cysteine, which is neutral and slightly polar, at codon 308 of the STK11 protein (p.Trp308Cys). This variant is not present in population databases (gnomAD no frequency). This missense change has been observed in individuals with Peutz-Jeghers syndrome (PMID: 9837816, 15863673, 17404884, 17924967, 19727776, 23527983, 27721366). Advanced modeling of protein sequence and biophysical properties (such as structural, functional, and spatial information, amino acid conservation, physicochemical variation, residue mobility, and thermodynamic stability) performed at Invitae indicates that this missense variant is expected to disrupt STK11 protein function. Experimental studies have shown that this missense change affects STK11 function (PMID: 9837816, 10441497, 15987703). This variant disrupts the p.Trp308 amino acid residue in STK11. Other variant(s) that disrupt this residue have been determined to be pathogenic (PMID: 9837816, 23415580, 24604241; Invitae). This suggests that this residue is clinically significant, and that variants that disrupt this residue are likely to be disease-causing. For these reasons, this variant has been classified as Pathogenic.

Literature cited by the submitters: PubMed 19892943 (cited by Myriad Genetics, Inc.); PubMed 9837816 (cited by Myriad Genetics, Inc. and Labcorp Genetics (formerly Invitae), Labcorp); PubMed 10441497 (cited by Myriad Genetics, Inc. and Labcorp Genetics (formerly Invitae), Labcorp); PubMed 15561763 (cited by Myriad Genetics, Inc.); PubMed 16707622 (cited by Myriad Genetics, Inc.); PubMed 15863673 (cited by Myriad Genetics, Inc. and Labcorp Genetics (formerly Invitae), Labcorp); PubMed 19727776 (cited by Myriad Genetics, Inc. and Labcorp Genetics (formerly Invitae), Labcorp); PubMed 17404884 (cited by Labcorp Genetics (formerly Invitae), Labcorp); PubMed 17924967 (cited by Labcorp Genetics (formerly Invitae), Labcorp); PubMed 23527983 (cited by Labcorp Genetics (formerly Invitae), Labcorp); PubMed 27721366 (cited by Labcorp Genetics (formerly Invitae), Labcorp); PubMed 15987703 (cited by Labcorp Genetics (formerly Invitae), Labcorp); PubMed 23415580 (cited by Labcorp Genetics (formerly Invitae), Labcorp); PubMed 24604241 (cited by Labcorp Genetics (formerly Invitae), Labcorp).